The following is an entry in ClinVar:

NM_006389.5(HYOU1):c.2933G>C (p.Gly978Ala)

Gene: HYOU1 (hypoxia up-regulated 1; minus strand). Cytogenetic location: 11q23.3.
Variant type: single nucleotide variant.
Coding change: c.2933G>C on transcript NM_006389.5 (MANE Select); coding-DNA position 2933, G replaced by C.
Protein change: p.Gly978Ala; replaces glycine 978 with alanine.
Molecular consequence: missense variant.
Genome position (GRCh38, 1-based): chr11:119,045,786, C>G on the plus strand (G>C on the coding strand, the complement: HYOU1 is on the minus strand). VCF-style: chr11-119045786-C-G. GRCh37 (hg19) VCF-style: chr11-118916498-C-G.
Other names: c.2933G>C, p.Gly978Ala (NM_001130991.3); c.2936G>C, p.Gly979Ala (NM_001411041.1); short protein forms G978A, G979A.
Identifiers: ClinVar variation 2796847 (VCV002796847.3), dbSNP rs906607472, ClinGen allele CA229615895.

ClinVar aggregate classification (germline): Uncertain significance (1 of 4 stars; one submission).

Submission:

Labcorp Genetics (formerly Invitae), Labcorp
Classification: Uncertain significance. Last evaluated: 2023-08-03. Review status: criteria provided, single submitter. Criteria: Invitae Variant Classification Sherloc (09022015). Collection method: clinical testing. Allele origin: germline.
Comment: Algorithms developed to predict the effect of missense changes on protein structure and function output the following: SIFT: "Not Available"; PolyPhen-2: "Benign"; Align-GVGD: "Not Available". The alanine amino acid residue is found in multiple mammalian species, which suggests that this missense change does not adversely affect protein function. In summary, the available evidence is currently insufficient to determine the role of this variant in disease. Therefore, it has been classified as a Variant of Uncertain Significance. This sequence change replaces glycine, which is neutral and non-polar, with alanine, which is neutral and non-polar, at codon 978 of the HYOU1 protein (p.Gly978Ala). This variant has not been reported in the literature in individuals affected with HYOU1-related conditions. This variant is not present in population databases (gnomAD no frequency).